The following is an entry in ClinVar:

ClinVar aggregate classification (germline): Uncertain significance. Review status: criteria provided, multiple submitters, no conflicts (2 of 4 stars). 3 submissions from 3 submitters: Uncertain significance (3). Last evaluated 2026-03-11.

Conditions:
Hereditary nonpolyposis colon cancer (HNPCC). Also called: Hereditary nonpolyposis colorectal cancer; Familial nonpolyposis colon cancer; Hereditary Nonpolyposis Colorectal Cancer Syndrome. Identifiers: Orphanet 443909, MedGen C1333990, MONDO:0018630. Disease mechanism: loss of function.
Hereditary cancer-predisposing syndrome. Also called: Neoplastic Syndromes, Hereditary; Hereditary neoplastic syndrome; Tumor predisposition; Hereditary Cancer Syndrome. Identifiers: Orphanet 140162, MedGen C0027672, MeSH D009386, MONDO:0015356.

Allele frequency attached by ClinVar (database versions not stated): gnomAD 0.00001; gnomAD exomes 0.00001; TOPMed 0.00001.
gnomAD v4.1: 11 of 1,614,058 alleles (0.00068%); highest among the groups gnomAD compares: Non-Finnish European, 0.000085%; no homozygotes.

Submissions (3):

Ambry Genetics
Classification: Uncertain significance for Hereditary cancer-predisposing syndrome. Last evaluated: 2026-03-11. Review status: criteria provided, single submitter. Criteria: Ambry Variant Classification Scheme 2023. Collection method: clinical testing. Allele origin: germline.

Labcorp Genetics (formerly Invitae), Labcorp
Classification: Uncertain significance. Last evaluated: 2026-01-20. Review status: criteria provided, single submitter. Criteria: Invitae Variant Classification Sherloc (09022015). Collection method: clinical testing. Allele origin: germline.
Comment: This sequence change replaces arginine, which is basic and polar, with cysteine, which is neutral and slightly polar, at codon 329 of the CTNNA1 protein (p.Arg329Cys). This variant is present in population databases (no rsID available, gnomAD 0.03%). This variant has not been reported in the literature in individuals affected with CTNNA1-related conditions. ClinVar contains an entry for this variant (Variation ID: 651224). Invitae Evidence Modeling of protein sequence and biophysical properties (such as structural, functional, and spatial information, amino acid conservation, physicochemical variation, residue mobility, and thermodynamic stability) indicates that this missense variant is expected to disrupt CTNNA1 protein function with a positive predictive value of 80%. In summary, the available evidence is currently insufficient to determine the role of this variant in disease. Therefore, it has been classified as a Variant of Uncertain Significance.

Department of Pathology and Laboratory Medicine, Sinai Health System
Classification: Uncertain significance for hereditary nonpolyposis colon cancer. Last evaluated: 2023-06-23. Review status: criteria provided, single submitter. Criteria: ACMG Guidelines, 2015. Collection method: clinical testing. Allele origin: germline. Affected: yes.

Literature cited by the submitters: PubMed 32051609 (cited by Department of Pathology and Laboratory Medicine, Sinai Health System).

NM_001903.5(CTNNA1):c.985C>T (p.Arg329Cys)

Gene: CTNNA1 (catenin alpha 1; plus strand). Cytogenetic location: 5q31.2.
Variant type: single nucleotide variant.
Coding change: c.985C>T on transcript NM_001903.5 (MANE Select); coding-DNA position 985, C replaced by T.
Protein change: p.Arg329Cys; replaces arginine 329 with cysteine.
Molecular consequence: missense variant.
Genome position (GRCh38, 1-based): chr5:138,827,641, C>T. VCF-style: chr5-138827641-C-T. GRCh37 (hg19) VCF-style: chr5-138163330-C-T.
Other names: c.985C>T, p.Arg329Cys (NM_001290307.3, NM_001323982.2, NM_001323983.1 and 3 more transcripts); c.676C>T, p.Arg226Cys (NM_001290309.3); c.616C>T, p.Arg206Cys (NM_001290310.3); short protein forms R329C, R206C, R226C.
Identifiers: ClinVar variation 651224 (VCV000651224.14), dbSNP rs1337385989, ClinGen allele CA361131076.